The following is an entry in ClinVar:

NM_001378615.1(CC2D2A):c.1895A>C (p.Gln632Pro)

Genes: CC2D2A (coiled-coil and C2 domain containing 2A; plus strand), FBXL5 (F-box and leucine rich repeat protein 5; minus strand). Cytogenetic location: 4p15.32.
Variant type: single nucleotide variant.
Coding change: c.1895A>C on transcript NM_001378615.1 (MANE Select); coding-DNA position 1895, A replaced by C.
Protein change: p.Gln632Pro; replaces glutamine 632 with proline.
Molecular consequence: missense variant.
Genome position (GRCh38, 1-based): chr4:15,538,029, A>C. VCF-style: chr4-15538029-A-C. GRCh37 (hg19) VCF-style: chr4-15539652-A-C.
Other names: c.1895A>C, p.Gln632Pro (NM_001080522.2); c.1748A>C, p.Gln583Pro (NM_001378617.1); short protein forms Q583P, Q632P.
Identifiers: ClinVar variation 1017639 (VCV001017639.11), dbSNP rs777510836, ClinGen allele CA2863791.

ClinVar aggregate classification (germline): Conflicting classifications of pathogenicity. Review status: criteria provided, conflicting classifications (1 of 4 stars). 3 submissions from 3 submitters: Uncertain significance (2); Likely benign (1). Last evaluated 2025-11-21.

Conditions:
Joubert syndrome. Also called: JOUBERT-BOLTSHAUSER SYNDROME; Familial aplasia of the vermis. Identifiers: Orphanet 475, MedGen C5979921, MONDO:0018772.
Meckel-Gruber syndrome. Also called: Dysencephalia splachnocystica; DYSENCEPHALIA SPLANCHNOCYSTICA; GRUBER SYNDROME. Identifiers: Orphanet 564, MedGen C0265215, MONDO:0018921.
CC2D2A-related disorder. Also called: CC2D2A-related condition; CC2D2A-related disorders. Identifiers: MedGen CN239313.
Inborn genetic diseases. Identifiers: MedGen C0950123, MeSH D030342.

Allele frequency attached by ClinVar (database versions not stated): TOPMed 0.00002; ExAC 0.00004; gnomAD exomes 0.00004.
gnomAD v4.1: 29 of 1,608,600 alleles (0.0018%); highest among the groups gnomAD compares: Non-Finnish European, 0.000085%; 1 homozygote.

Submissions (3):

Labcorp Genetics (formerly Invitae), Labcorp
Classification: Likely benign for Joubert syndrome; Meckel-Gruber syndrome. Last evaluated: 2025-11-21. Review status: criteria provided, single submitter. Criteria: Invitae Variant Classification Sherloc (09022015). Collection method: clinical testing. Allele origin: germline.

PreventionGenetics, part of Exact Sciences
Classification: Uncertain significance for CC2D2A-related condition. Last evaluated: 2025-10-20. Review status: criteria provided, single submitter. Criteria: ACMG Guidelines, 2015. Collection method: clinical testing. Allele origin: germline.
Comment: The CC2D2A c.1895A>C variant is predicted to result in the amino acid substitution p.Gln632Pro. To our knowledge, this variant has not been reported in the literature. This variant is reported in 0.092% of alleles in individuals of Ashkenazi Jewish descent in gnomAD. Although we suspect that this variant may be benign, at this time, the clinical significance of this variant is uncertain due to the absence of conclusive functional and genetic evidence.

Ambry Genetics
Classification: Uncertain significance for Inborn genetic diseases. Last evaluated: 2025-01-23. Review status: criteria provided, single submitter. Criteria: Ambry Variant Classification Scheme 2023. Collection method: clinical testing. Allele origin: germline.